The following is an entry in ClinVar:

NM_000153.4(GALC):c.1068T>G (p.Tyr356Ter)

Gene: GALC (galactosylceramidase; minus strand). Cytogenetic location: 14q31.3.
Variant type: single nucleotide variant.
Coding change: c.1068T>G on transcript NM_000153.4 (MANE Select); coding-DNA position 1068, T replaced by G.
Protein change: p.Tyr356Ter; replaces tyrosine 356 with a stop codon.
Molecular consequence: nonsense.
Genome position (GRCh38, 1-based): chr14:87,963,477, A>C on the plus strand (T>G on the coding strand, the complement: GALC is on the minus strand). VCF-style: chr14-87963477-A-C. GRCh37 (hg19) VCF-style: chr14-88429821-A-C.
Other names: c.999T>G, p.Tyr333Ter (NM_001201401.2); c.990T>G, p.Tyr330Ter (NM_001201402.2); short protein forms Y330*, Y333*, Y356*.
Identifiers: ClinVar variation 1976694 (VCV001976694.5), dbSNP rs1349405657, ClinGen allele CA390747314.

ClinVar aggregate classification (germline): Pathogenic (1 of 4 stars; one submission).

Conditions:
Galactosylceramide beta-galactosidase deficiency. Also called: Leukodystrophy, Globoid Cell; GALACTOCEREBROSIDASE DEFICIENCY; GALC DEFICIENCY; GLOBOID CELL LEUKOENCEPHALOPATHY; Krabbe Disease. Identifiers: Orphanet 487, MedGen C0023521, MONDO:0009499, OMIM 245200.

Submission:

Labcorp Genetics (formerly Invitae), Labcorp
Classification: Pathogenic for Galactosylceramide beta-galactosidase deficiency. Last evaluated: 2022-03-18. Review status: criteria provided, single submitter. Criteria: Invitae Variant Classification Sherloc (09022015). Collection method: clinical testing. Allele origin: germline.
Comment: For these reasons, this variant has been classified as Pathogenic. This variant has not been reported in the literature in individuals affected with GALC-related conditions. This variant is not present in population databases (gnomAD no frequency). This sequence change creates a premature translational stop signal (p.Tyr356*) in the GALC gene. It is expected to result in an absent or disrupted protein product. Loss-of-function variants in GALC are known to be pathogenic (PMID: 7437911, 9272171, 16607461).

Literature cited by the submitters: PubMed 7437911; PubMed 9272171; PubMed 16607461.